The following is an entry in ClinVar:

NM_000551.4(VHL):c.553T>C (p.Tyr185His)

Genes: VHL (von Hippel-Lindau tumor suppressor; plus strand), LOC107303340 (3p25 von Hippel-Lindau tumor suppressor, E3 ubiquitin protein ligase Alu-mediated recombination region; plus strand). Cytogenetic location: 3p25.3.
Variant type: single nucleotide variant.
Coding change: c.553T>C on transcript NM_000551.4 (MANE Select); coding-DNA position 553, T replaced by C.
Protein change: p.Tyr185His; replaces tyrosine 185 with histidine.
Molecular consequence: missense variant. On other transcripts: 3 prime UTR variant (1).
Genome position (GRCh38, 1-based): chr3:10,149,876, T>C. VCF-style: chr3-10149876-T-C. GRCh37 (hg19) VCF-style: chr3-10191560-T-C.
Other names: c.*107T>C (NM_001354723.2); c.430T>C, p.Tyr144His (NM_198156.3); short protein forms Y185H, Y144H.
Identifiers: ClinVar variation 526686 (VCV000526686.9), dbSNP rs768390987, ClinGen allele CA351756363.
Genomic context (GRCh38, chr3:10,149,876, plus strand): 5'-GTTGTCCGGAGCCTAGTCAAGCCTGAGAATTACAGGAGACTGGACATCGTCAGGTCGCTC[T>C]ACGAAGATCTGGAAGACCACCCAAATGTGCAGAAAGACCTGGAGCGGCTGACACAGGAGC-3'
Protein context (NP_000542.1, residues 175-195): YRRLDIVRSL[Tyr185His]EDLEDHPNVQ

ClinVar aggregate classification (germline): Uncertain significance (1 of 4 stars; one submission).

Conditions:
Chuvash polycythemia. Also called: POLYCYTHEMIA, VHL-DEPENDENT. Identifiers: Orphanet 238557, MedGen C1837915, MONDO:0009892, OMIM 263400.
Von Hippel-Lindau syndrome (VHLS). Also called: von Hippel–Lindau syndrome; VHL syndrome; Von Hippel-Lindau. Identifiers: Orphanet 892, MedGen C0019562, MONDO:0008667, OMIM 193300. Disease mechanism: loss of function.

Submission:

Labcorp Genetics (formerly Invitae), Labcorp
Classification: Uncertain significance for Von Hippel-Lindau syndrome; Chuvash polycythemia. Last evaluated: 2024-09-22. Review status: criteria provided, single submitter. Criteria: Invitae Variant Classification Sherloc (09022015). Collection method: clinical testing. Allele origin: germline.
Comment: This sequence change replaces tyrosine, which is neutral and polar, with histidine, which is basic and polar, at codon 185 of the VHL protein (p.Tyr185His). This variant is not present in population databases (gnomAD no frequency). This variant has not been reported in the literature in individuals affected with VHL-related conditions. ClinVar contains an entry for this variant (Variation ID: 526686). Invitae Evidence Modeling of protein sequence and biophysical properties (such as structural, functional, and spatial information, amino acid conservation, physicochemical variation, residue mobility, and thermodynamic stability) indicates that this missense variant is expected to disrupt VHL protein function with a positive predictive value of 95%. In summary, the available evidence is currently insufficient to determine the role of this variant in disease. Therefore, it has been classified as a Variant of Uncertain Significance.